The following is an entry in ClinVar:

NM_003190.5(TAPBP):c.226C>A (p.Gln76Lys)

Gene: TAPBP (TAP binding protein; minus strand). Cytogenetic location: 6p21.32.
Variant type: single nucleotide variant.
Coding change: c.226C>A on transcript NM_003190.5 (MANE Select); coding-DNA position 226, C replaced by A.
Protein change: p.Gln76Lys; replaces glutamine 76 with lysine.
Molecular consequence: missense variant. On other transcripts: intron variant (1).
Genome position (GRCh38, 1-based): chr6:33,313,460, G>T on the plus strand (C>A on the coding strand, the complement: TAPBP is on the minus strand). VCF-style: chr6-33313460-G-T. GRCh37 (hg19) VCF-style: chr6-33281237-G-T.
Other names: c.226C>A, p.Gln76Lys (NM_001410875.1, NM_172208.3); c.208+234C>A (NM_172209.3); short protein forms Q76K.
Identifiers: ClinVar variation 3696751 (VCV003696751.2).
Genomic context (GRCh38, chr6:33,313,460, plus strand): 5'-AGCGGCTCATCTCGCAGTGTGGTGCGGGGGCGCCCCGGGGATACCGCCTGAAGGCAGCCT[G>T]GAGGGCGCCCGCGGGGTCTGAGTGTAGAGAAGGAAGTTGCAGCTGTAGAGTCACCGCCGG-3'
Protein context (NP_003181.3, residues 66-86): LSVHDPAGAL[Gln76Lys]AAFRRYPRGA

ClinVar aggregate classification (germline): Uncertain significance (1 of 4 stars; one submission).

Conditions:
MHC class I deficiency. Identifiers: Orphanet 34592, MedGen C6024714, MONDO:0011476.

Submission:

Labcorp Genetics (formerly Invitae), Labcorp
Classification: Uncertain significance for MHC class I deficiency 1. Last evaluated: 2024-10-21. Review status: criteria provided, single submitter. Criteria: Invitae Variant Classification Sherloc (09022015). Collection method: clinical testing. Allele origin: germline.
Comment: This sequence change replaces glutamine, which is neutral and polar, with lysine, which is basic and polar, at codon 76 of the TAPBP protein (p.Gln76Lys). This variant is not present in population databases (gnomAD no frequency). This variant has not been reported in the literature in individuals affected with TAPBP-related conditions. An algorithm developed to predict the effect of missense changes on protein structure and function (PolyPhen-2) suggests that this variant is likely to be tolerated. In summary, the available evidence is currently insufficient to determine the role of this variant in disease. Therefore, it has been classified as a Variant of Uncertain Significance.